The following is an entry in ClinVar:

NM_015662.3(IFT172):c.4183C>A (p.His1395Asn)

Gene: IFT172 (intraflagellar transport 172; minus strand). Cytogenetic location: 2p23.3.
Variant type: single nucleotide variant.
Coding change: c.4183C>A on transcript NM_015662.3 (MANE Select); coding-DNA position 4183, C replaced by A.
Protein change: p.His1395Asn; replaces histidine 1395 with asparagine.
Molecular consequence: missense variant.
Genome position (GRCh38, 1-based): chr2:27,449,540, G>T on the plus strand (C>A on the coding strand, the complement: IFT172 is on the minus strand). VCF-style: chr2-27449540-G-T. GRCh37 (hg19) VCF-style: chr2-27672407-G-T.
Other names: c.4117C>A, p.His1373Asn (NM_001410739.1); short protein forms H1373N, H1395N.
Identifiers: ClinVar variation 2628995 (VCV002628995.2), dbSNP rs1665461040, ClinGen allele CA346421708.
Genomic context (GRCh38, chr2:27,449,540, plus strand): 5'-CTAACTCTCCAAGTCTCACCGAGTCCACTTTGCCCTGATTCTTGAGGAACTCTTTATAAT[G>T]CTGGTCCACATAGTCTTCATACCTGTGAAGATGTTCAGAGAGCTCCATCTTCATGTTCCA-3'
Protein context (NP_056477.1, residues 1385-1405): DPRYEDYVDQ[His1395Asn]YKEFLKNQGK

ClinVar aggregate classification (germline): Uncertain significance (1 of 4 stars; one submission).

Conditions:
IFT172-related disorder. Also called: IFT172-related condition; IFT172-related disorders.

Allele frequency attached by ClinVar (database versions not stated): TOPMed below 0.00001; gnomAD 0.00001.
gnomAD v4.1: 1 of 1,614,034 alleles (0.000062%); highest among the groups gnomAD compares: Non-Finnish European, 0.000085%; no homozygotes.

Submission:

PreventionGenetics, part of Exact Sciences
Classification: Uncertain significance for IFT172-related condition. Last evaluated: 2026-07-10. Review status: criteria provided, single submitter. Criteria: ACMG Guidelines, 2015. Collection method: clinical testing. Allele origin: germline.
Comment: The IFT172 c.4183C>A variant is predicted to result in the amino acid substitution p.His1395Asn. To our knowledge, this variant has not been reported in the literature or in a large population database (gnomAD), indicating this variant is rare. At this time, the clinical significance of this variant is uncertain due to the absence of conclusive functional and genetic evidence.